The following is an entry in ClinVar:

ClinVar aggregate classification (germline): Uncertain significance. Review status: criteria provided, multiple submitters, no conflicts (2 of 4 stars). 3 submissions from 3 submitters: Uncertain significance (3). Last evaluated 2024-11-22.

Conditions:
Hereditary cancer-predisposing syndrome. Also called: Hereditary Cancer Syndrome; Neoplastic Syndromes, Hereditary; Tumor predisposition; Hereditary neoplastic syndrome. Identifiers: Orphanet 140162, MedGen C0027672, MeSH D009386, MONDO:0015356.
Fanconi anemia complementation group J. Also called: BRIP1-Related Fanconi Anemia. Identifiers: Orphanet 84, MedGen C1836860, MONDO:0012187, OMIM 609054.
Familial cancer of breast. Also called: Hereditary breast cancer; hereditary breast carcinoma; BREAST CANCER, FAMILIAL. Identifiers: Orphanet 227535, MedGen C0346153, MONDO:0016419, OMIM 114480. Disease mechanism: loss of function.

Allele frequency attached by ClinVar (database versions not stated): TOPMed below 0.00001.

Submissions (3):

Ambry Genetics
Classification: Uncertain significance for Hereditary cancer-predisposing syndrome. Last evaluated: 2024-11-22. Review status: criteria provided, single submitter. Criteria: Ambry Variant Classification Scheme 2023. Collection method: clinical testing. Allele origin: germline.
Comment: The p.V687M variant (also known as c.2059G>A), located in coding exon 13 of the BRIP1 gene, results from a G to A substitution at nucleotide position 2059. The valine at codon 687 is replaced by methionine, an amino acid with highly similar properties. This amino acid position is well conserved in available vertebrate species. In addition, the in silico prediction for this alteration is inconclusive. Based on the available evidence, the clinical significance of this variant remains unclear.

Labcorp Genetics (formerly Invitae), Labcorp
Classification: Uncertain significance for Familial cancer of breast; Fanconi anemia complementation group J. Last evaluated: 2023-01-06. Review status: criteria provided, single submitter. Criteria: Invitae Variant Classification Sherloc (09022015). Collection method: clinical testing. Allele origin: germline.
Comment: In summary, the available evidence is currently insufficient to determine the role of this variant in disease. Therefore, it has been classified as a Variant of Uncertain Significance. Advanced modeling of protein sequence and biophysical properties (such as structural, functional, and spatial information, amino acid conservation, physicochemical variation, residue mobility, and thermodynamic stability) performed at Invitae indicates that this missense variant is not expected to disrupt BRIP1 protein function. ClinVar contains an entry for this variant (Variation ID: 231682). This missense change has been observed in individual(s) with breast and/or ovarian cancer (PMID: 29470806). This variant is not present in population databases (gnomAD no frequency). This sequence change replaces valine, which is neutral and non-polar, with methionine, which is neutral and non-polar, at codon 687 of the BRIP1 protein (p.Val687Met).

GeneDx
Classification: Uncertain significance. Last evaluated: 2019-04-30. Review status: criteria provided, single submitter. Criteria: GeneDx Variant Classification Process June 2021. Collection method: clinical testing. Allele origin: germline. Affected: yes.
Comment: Not observed in large population cohorts (Lek et al., 2016); This variant is associated with the following publications: (PMID: 29470806)

Literature cited by the submitters: PubMed 29470806 (cited by Labcorp Genetics (formerly Invitae), Labcorp).

NM_032043.3(BRIP1):c.2059G>A (p.Val687Met)

Gene: BRIP1 (BRCA1 interacting DNA helicase 1; minus strand). Cytogenetic location: 17q23.2.
Variant type: single nucleotide variant.
Coding change: c.2059G>A on transcript NM_032043.3 (MANE Select); coding-DNA position 2059, G replaced by A.
Protein change: p.Val687Met; replaces valine 687 with methionine.
Molecular consequence: missense variant.
Genome position (GRCh38, 1-based): chr17:61,776,439, C>T on the plus strand (G>A on the coding strand, the complement: BRIP1 is on the minus strand). VCF-style: chr17-61776439-C-T. GRCh37 (hg19) VCF-style: chr17-59853800-C-T.
Other names: short protein forms V687M.
Identifiers: ClinVar variation 231682 (VCV000231682.19), dbSNP rs876659296, ClinGen allele CA10580816.